The following is an entry in ClinVar:

NM_000393.5(COL5A2):c.3411= (p.Gly1137=)

Gene: COL5A2 (collagen type V alpha 2 chain; minus strand). Cytogenetic location: 2q32.2.
Variant type: single nucleotide variant.
Coding change: c.3411= on transcript NM_000393.5 (MANE Select); coding-DNA position 3411, no change from the reference sequence.
Protein change: p.Gly1137=; no amino-acid change (glycine 1137 retained).
Molecular consequence: no sequence alteration.
Genome position: GRCh38 VCF-style: chr2-189043211-A-A. GRCh37 (hg19) VCF-style: chr2-189907937-A-A.
Other names: p.G1137G:GGC>GGT.
Identifiers: ClinVar variation 136951 (VCV000136951.16), dbSNP rs6434312.

ClinVar aggregate classification (germline): Benign. Review status: criteria provided, multiple submitters, no conflicts (2 of 4 stars). 3 submissions from 3 submitters: Benign (3). Last evaluated 2026-02-04.

Conditions:
Ehlers-Danlos syndrome, classic type, 1 (EDSCL1). Also called: Ehlers-Danlos syndrome, type 1; Ehlers-Danlos Syndrome, Classic Type, COL5A1-Related; EDS I; EHLERS-DANLOS SYNDROME, GRAVIS TYPE; EHLERS-DANLOS SYNDROME, SEVERE CLASSIC TYPE. Identifiers: MedGen C0268335, MONDO:0019567, OMIM 130000.

Allele frequency attached by ClinVar (database versions not stated): ExAC 0.04601; gnomAD exomes 0.05011 and 0.02724; TOPMed 0.04610; 1000 Genomes Project 0.05911; ESP Exome Variant Server 0.02868; gnomAD 0.03994 and 0.03908; 1000 Genomes Project 30x 0.06262.

Submissions (3):

Labcorp Genetics (formerly Invitae), Labcorp
Classification: Benign for Ehlers-Danlos syndrome, classic type, 1. Last evaluated: 2026-02-04. Review status: criteria provided, single submitter. Criteria: Invitae Variant Classification Sherloc (09022015). Collection method: clinical testing. Allele origin: germline.

Women's Health and Genetics/Laboratory Corporation of America, LabCorp
Classification: Benign. Last evaluated: 2017-03-15. Review status: criteria provided, single submitter. Criteria: LabCorp Variant Classification Summary - May 2015. Collection method: clinical testing. Allele origin: germline.
Comment: Variant summary: The COL5A2 c.3411C>T (p.Gly1137Gly) variant involves the alteration of a non-conserved nucleotide, resulting in a synonymous change. 5/5 splice prediction tools suggest that this change eliminates a cryptic donor cite. ESE finder predicts that this variant may create an SF2/ASF ESE site at the locus. However, these predictions have yet to be confirmed by functional studies. This variant was found in 115667/121246 control chromosomes (55328 homozygotes) at a frequency of 0.9539861, which is approximately 763188 times the estimated maximal expected allele frequency of a pathogenic COL5A2 variant (0.0000013), suggesting that "C" allele is an ancestral allele. In addition, multiple clinical diagnostic laboratories/reputable databases classified this variant as benign. Taken together, this variant is classified as benign.

GeneDx
Classification: Benign. Last evaluated: 2012-11-29. Review status: criteria provided, single submitter. Criteria: GeneDx Variant Classification (06012015). Collection method: clinical testing. Allele origin: germline. Affected: yes.
Comment: This variant is considered likely benign or benign based on one or more of the following criteria: it is a conservative change, it occurs at a poorly conserved position in the protein, it is predicted to be benign by multiple in silico algorithms, and/or has population frequency not consistent with disease.